The following is an entry in ClinVar:

NM_014363.6(SACS):c.9955A>G (p.Lys3319Glu)

Gene: SACS (sacsin molecular chaperone; minus strand). Cytogenetic location: 13q12.12.
Variant type: single nucleotide variant.
Coding change: c.9955A>G on transcript NM_014363.6 (MANE Select); coding-DNA position 9955, A replaced by G.
Protein change: p.Lys3319Glu; replaces lysine 3319 with glutamic acid.
Molecular consequence: missense variant.
Genome position (GRCh38, 1-based): chr13:23,333,921, T>C on the plus strand (A>G on the coding strand, the complement: SACS is on the minus strand). VCF-style: chr13-23333921-T-C. GRCh37 (hg19) VCF-style: chr13-23908060-T-C.
Other names: c.9514A>G, p.Lys3172Glu (NM_001278055.2); short protein forms K3319E, K3172E.
Identifiers: ClinVar variation 582271 (VCV000582271.8), dbSNP rs1566060408, ClinGen allele CA387513291.

ClinVar aggregate classification (germline): Uncertain significance (1 of 4 stars; one submission).

Conditions:
Spastic paraplegia. Identifiers: MedGen C0037772, HP:0001258.

Submission:

Labcorp Genetics (formerly Invitae), Labcorp
Classification: Uncertain significance for Spastic paraplegia. Last evaluated: 2018-05-30. Review status: criteria provided, single submitter. Criteria: Invitae Variant Classification Sherloc (09022015). Collection method: clinical testing. Allele origin: germline.
Comment: In summary, the available evidence is currently insufficient to determine the role of this variant in disease. Therefore, it has been classified as a Variant of Uncertain Significance. Algorithms developed to predict the effect of missense changes on protein structure and function are either unavailable or do not agree on the potential impact of this missense change (SIFT: "Deleterious"; PolyPhen-2: "Probably Damaging"; Align-GVGD: "Class C0"). This variant has not been reported in the literature in individuals with SACS-related disease. This variant is not present in population databases (ExAC no frequency). This sequence change replaces lysine with glutamic acid at codon 3319 of the SACS protein (p.Lys3319Glu). The lysine residue is moderately conserved and there is a small physicochemical difference between lysine and glutamic acid.